The following is an entry in ClinVar:

ClinVar aggregate classification (germline): Uncertain significance (1 of 4 stars; one submission).

Allele frequency attached by ClinVar (database versions not stated): gnomAD exomes 0.00001; ExAC 0.00002; gnomAD 0.00002; TOPMed 0.00007.
gnomAD v4.1: 14 of 1,599,048 alleles (0.00088%); highest among the groups gnomAD compares: African/African-American, 0.0054%; no homozygotes.

Submission:

Labcorp Genetics (formerly Invitae), Labcorp
Classification: Uncertain significance. Last evaluated: 2024-07-22. Review status: criteria provided, single submitter. Criteria: Invitae Variant Classification Sherloc (09022015). Collection method: clinical testing. Allele origin: germline.
Comment: This sequence change replaces asparagine, which is neutral and polar, with serine, which is neutral and polar, at codon 162 of the ANK3 protein (p.Asn162Ser). This variant is present in population databases (rs770844854, gnomAD 0.004%). This variant has not been reported in the literature in individuals affected with ANK3-related conditions. ClinVar contains an entry for this variant (Variation ID: 2176360). Advanced modeling of protein sequence and biophysical properties (such as structural, functional, and spatial information, amino acid conservation, physicochemical variation, residue mobility, and thermodynamic stability) performed at Invitae indicates that this missense variant is not expected to disrupt ANK3 protein function with a negative predictive value of 80%. In summary, the available evidence is currently insufficient to determine the role of this variant in disease. Therefore, it has been classified as a Variant of Uncertain Significance.

NM_020987.5(ANK3):c.485A>G (p.Asn162Ser)

Gene: ANK3 (ankyrin 3; minus strand). Cytogenetic location: 10q21.2.
Variant type: single nucleotide variant.
Coding change: c.485A>G on transcript NM_020987.5 (MANE Select); coding-DNA position 485, A replaced by G.
Protein change: p.Asn162Ser; replaces asparagine 162 with serine.
Molecular consequence: missense variant.
Genome position (GRCh38, 1-based): chr10:60,270,159, T>C on the plus strand (A>G on the coding strand, the complement: ANK3 is on the minus strand). VCF-style: chr10-60270159-T-C. GRCh37 (hg19) VCF-style: chr10-62029917-T-C.
Other names: c.467A>G, p.Asn156Ser (NM_001204403.2); c.434A>G, p.Asn145Ser (NM_001204404.2); c.485A>G, p.Asn162Ser (NM_001320874.2); short protein forms N145S, N156S, N162S.
Identifiers: ClinVar variation 2176360 (VCV002176360.4), dbSNP rs770844854, ClinGen allele CA5513413.